The following is an entry in ClinVar:

NM_001754.5(RUNX1):c.1088G>C (p.Gly363Ala)

Gene: RUNX1 (RUNX family transcription factor 1; minus strand). Cytogenetic location: 21q22.12.
Variant type: single nucleotide variant.
Coding change: c.1088G>C on transcript NM_001754.5 (MANE Select); coding-DNA position 1088, G replaced by C.
Protein change: p.Gly363Ala; replaces glycine 363 with alanine.
Molecular consequence: missense variant.
Genome position (GRCh38, 1-based): chr21:34,792,490, C>G on the plus strand (G>C on the coding strand, the complement: RUNX1 is on the minus strand). VCF-style: chr21-34792490-C-G. GRCh37 (hg19) VCF-style: chr21-36164787-C-G.
Other names: NM_001754.5(RUNX1):c.1088G>C; p.Gly363Ala; c.1007G>C, p.Gly336Ala (NM_001001890.3); short protein forms G363A, G336A.
Identifiers: ClinVar variation 2151600 (VCV002151600.6), dbSNP rs777498866, ClinGen allele CA10014206.

ClinVar aggregate classification (germline): Uncertain significance. Review status: reviewed by expert panel (3 of 4 stars). 3 submissions from 3 submitters: Uncertain significance (1). 2 of the submissions do not count toward it. Last evaluated 2024-07-25.

Conditions:
Hereditary thrombocytopenia and hematologic cancer predisposition syndrome. Identifiers: Orphanet 71290, MedGen CN281654, MONDO:0011071.
Inborn genetic diseases. Identifiers: MedGen C0950123, MeSH D030342.
Hereditary thrombocytopenia and hematological cancer predisposition syndrome associated with RUNX1. Also called: RUNX1 Familial Platelet Disorder with Associated Myeloid Malignancies; Familial Platelet Disorder with Propensity to Acute Myelogenous Leukemia; Familial thrombocytopenia with propensity to acute myelogenous leukemia; PLATELET DISORDER, ASPIRIN-LIKE. Identifiers: Orphanet 71290, MedGen C1832388, MeSH C563324, MONDO:0100083, OMIM 601399.

Allele frequency attached by ClinVar (database versions not stated): gnomAD exomes below 0.00001; ExAC 0.00002.
gnomAD v4.1: 1 of 1,593,918 alleles (0.000063%); highest among the groups gnomAD compares: Non-Finnish European, 0.000085%; no homozygotes.

Submissions (3):

ClinGen Myeloid Malignancy Variant Curation Expert Panel
Classification: Uncertain significance for Hereditary thrombocytopenia and hematologic cancer predisposition syndrome. Last evaluated: 2024-07-25. Review status: reviewed by expert panel. Criteria: ClinGen MyeloMalig ACMG Specifications v2. Collection method: curation. Allele origin: germline. Inheritance: Autosomal dominant inheritance.
Comment: NM_001754.5(RUNX1):c.1088G>C (p.Gly363Ala) is a missense variant which is absent from all population databases with at least 20x coverage for RUNX1 in gnomAD v2.1.1 and v3.1.2 (PM2_supporting). This missense variant has a REVEL score <0.50 (0.117) (BP4). This variant was reported in ClinVar in 2022 by Invitae, but the affected status of the proband is unknown (Variation ID 2151600). In summary, the clinical significance of this variant is uncertain. ACMG/AMP criteria applied, as specified by the Myeloid Malignancy Variant Curation Expert Panel for RUNX1: PM2_supporting, BP4.

Ambry Genetics
Classification: Uncertain significance for Inborn genetic diseases. Last evaluated: 2024-12-10. Review status: criteria provided, single submitter. Criteria: Ambry Variant Classification Scheme 2023. Collection method: clinical testing. Allele origin: germline. Not counted in ClinVar's aggregate classification.
Comment: The p.G363A variant (also known as c.1088G>C), located in coding exon 8 of the RUNX1 gene, results from a G to C substitution at nucleotide position 1088. The glycine at codon 363 is replaced by alanine, an amino acid with similar properties. This amino acid position is conserved. In addition, this alteration is predicted to be tolerated by in silico analysis. Based on the available evidence, the clinical significance of this variant remains unclear.

Labcorp Genetics (formerly Invitae), Labcorp
Classification: Uncertain significance for Hereditary thrombocytopenia and hematological cancer predisposition syndrome associated with RUNX1. Last evaluated: 2022-06-08. Review status: criteria provided, single submitter. Criteria: Invitae Variant Classification Sherloc (09022015). Collection method: clinical testing. Allele origin: germline. Not counted in ClinVar's aggregate classification.
Comment: In summary, the available evidence is currently insufficient to determine the role of this variant in disease. Therefore, it has been classified as a Variant of Uncertain Significance. Algorithms developed to predict the effect of missense changes on protein structure and function output the following: SIFT: "Tolerated"; PolyPhen-2: "Benign"; Align-GVGD: "Class C0". The alanine amino acid residue is found in multiple mammalian species, which suggests that this missense change does not adversely affect protein function. This variant has not been reported in the literature in individuals affected with RUNX1-related conditions. This variant is present in population databases (rs777498866, gnomAD 0.001%). This sequence change replaces glycine, which is neutral and non-polar, with alanine, which is neutral and non-polar, at codon 363 of the RUNX1 protein (p.Gly363Ala).